The following is an entry in ClinVar:

NM_002880.4(RAF1):c.63G>A (p.Val21=)

Gene: RAF1 (Raf-1 proto-oncogene, serine/threonine kinase; minus strand). Cytogenetic location: 3p25.2.
Variant type: single nucleotide variant.
Coding change: c.63G>A on transcript NM_002880.4 (MANE Select); coding-DNA position 63, G replaced by A.
Protein change: p.Val21=; no amino-acid change (valine 21 retained).
Molecular consequence: synonymous variant. On other transcripts: 5 prime UTR variant (4), non-coding transcript variant (3).
Genome position (GRCh38, 1-based): chr3:12,618,659, C>T on the plus strand (G>A on the coding strand, the complement: RAF1 is on the minus strand). VCF-style: chr3-12618659-C-T. GRCh37 (hg19) VCF-style: chr3-12660158-C-T.
Other names: c.63G>A, p.Val21= (NM_001354689.3, NM_001354690.3, NM_001354693.3); c.-68G>A (NM_001354691.3, NM_001354692.3, NM_001354694.3 and 1 more transcripts).
Identifiers: ClinVar variation 227888 (VCV000227888.16), dbSNP rs377377296, ClinGen allele CA2259843.

ClinVar aggregate classification (germline): Likely benign. Review status: criteria provided, multiple submitters, no conflicts (2 of 4 stars). 5 submissions from 5 submitters: Likely benign (5). Last evaluated 2025-10-27.

Conditions:
RAF1-related disorder. Also called: RAF1-related disorders; RAF1-related condition.
Cardiovascular phenotype. Identifiers: MedGen CN230736.
RASopathy. Also called: rasopathies; Noonan spectrum disorder. Identifiers: Orphanet 536391, MedGen C5555857, MONDO:0021060.

Allele frequency attached by ClinVar (database versions not stated): gnomAD exomes below 0.00001 and 0.00001; ExAC 0.00002; gnomAD 0.00003; TOPMed 0.00005; ESP Exome Variant Server 0.00008.
gnomAD v4.1: 5 of 1,614,110 alleles (0.00031%); highest among the groups gnomAD compares: African/African-American, 0.0067%; no homozygotes.

Submissions (5):

PreventionGenetics, part of Exact Sciences
Classification: Likely benign for RAF1-related condition. Last evaluated: 2025-10-27. Review status: criteria provided, single submitter. Criteria: ACMG Guidelines, 2015. Collection method: clinical testing. Allele origin: germline.
Comment: This variant is classified as likely benign based on ACMG/AMP sequence variant interpretation guidelines (Richards et al. 2015 PMID: 25741868, with internal and published modifications).

Labcorp Genetics (formerly Invitae), Labcorp
Classification: Likely benign for RASopathy. Last evaluated: 2025-01-29. Review status: criteria provided, single submitter. Criteria: Invitae Variant Classification Sherloc (09022015). Collection method: clinical testing. Allele origin: germline.

Blueprint Genetics
Classification: Likely benign. Last evaluated: 2023-10-23. Review status: criteria provided, single submitter. Criteria: ACMG Guidelines, 2015. Collection method: clinical testing. Allele origin: germline.

Ambry Genetics
Classification: Likely benign for Cardiovascular phenotype. Last evaluated: 2018-11-01. Review status: criteria provided, single submitter. Criteria: Ambry Variant Classification Scheme 2023. Collection method: clinical testing. Allele origin: germline.

Laboratory for Molecular Medicine, Mass General Brigham Personalized Medicine
Classification: Likely benign. Last evaluated: 2016-01-26. Review status: criteria provided, single submitter. Criteria: LMM Criteria. Collection method: clinical testing. Allele origin: germline. Observed: 1 variant allele.
Comment: p.Val21Val in exon 2 of RAF1: This variant is not expected to have clinical sign ificance because it does not alter an amino acid residue and is not located with in the splice consensus sequence. It has been identified in 2/10406 African chro mosomes by the Exome Aggregation Consortium (ExAC, g; dbSNP rs377377296).